The following is an entry in ClinVar:

NM_000059.4(BRCA2):c.2398_2423dup (p.Leu809fs)

Gene: BRCA2 (BRCA2 DNA repair associated; plus strand). Cytogenetic location: 13q13.1.
Variant type: Duplication.
Coding change: c.2398_2423dup on transcript NM_000059.4 (MANE Select); coding-DNA positions 2398 to 2423, 26 bases duplicated (GGTAACAATTATGAATCTGATGTTGA).
Protein change: p.Leu809fs; shifts the reading frame from leucine 809.
Molecular consequence: frameshift variant.
Genome position (GRCh38, 1-based): chr13:32,336,753-32,336,778, GGTAACAATTATGAATCTGATGTTGA duplicated; duplicating any 26 consecutive bases within chr13:32,336,752-32,336,778 gives the same sequence; the c. name uses the placement nearest the transcript's 3' end. VCF-style (leftmost placement, unchanged base first): chr13-32336751-A-AAGGTAACAATTATGAATCTGATGTTG. GRCh37 (hg19) VCF-style: chr13-32910888-A-AAGGTAACAATTATGAATCTGATGTTG.
Other names: c.2398_2423dupGGTAACAATTATGAATCTGATGTTGA (NM_000059.3); short protein forms L809fs.
Identifiers: ClinVar variation 433767 (VCV000433767.4), dbSNP rs1555282658, ClinGen allele CA645372950.

ClinVar aggregate classification (germline): Pathogenic. Review status: reviewed by expert panel (3 of 4 stars). 4 submissions from 4 submitters: Pathogenic (1). 3 of the submissions do not count toward it. Last evaluated 2017-12-15.

Conditions:
Breast-ovarian cancer, familial, susceptibility to, 2 (BROVCA2). Also called: BRCA2 Hereditary Breast and Ovarian Cancer. Identifiers: Orphanet 145, MedGen C2675520, MONDO:0012933, OMIM 612555. Disease mechanism: loss of function.
Hereditary breast ovarian cancer syndrome. Also called: BRCA1- and BRCA2-Associated Hereditary Breast and Ovarian Cancer; Hereditary breast and/or ovarian cancer syndrome; Hereditary breast and ovarian cancer; Hereditary breast and ovarian cancer syndrome; Hereditary breast and ovarian cancer syndrome (HBOC); Breast and ovarian cancer. Identifiers: Orphanet 145, MedGen C0677776, MeSH D061325, MONDO:0003582. Disease mechanism: loss of function.
Hereditary cancer-predisposing syndrome. Also called: Hereditary neoplastic syndrome; Tumor predisposition; Neoplastic Syndromes, Hereditary; Hereditary Cancer Syndrome. Identifiers: Orphanet 140162, MedGen C0027672, MeSH D009386, MONDO:0015356.

Submissions (4):

Evidence-based Network for the Interpretation of Germline Mutant Alleles (ENIGMA)
Classification: Pathogenic for Breast-ovarian cancer, familial, susceptibility to, 2. Last evaluated: 2017-12-15. Review status: reviewed by expert panel. Criteria: ENIGMA BRCA1/2 Classification Criteria (2017-06-29). Collection method: curation. Allele origin: germline. Study: ENIGMA.
Comment: Variant allele predicted to encode a truncated non-functional protein.

Labcorp Genetics (formerly Invitae), Labcorp
Classification: Pathogenic for Hereditary breast ovarian cancer syndrome. Last evaluated: 2025-12-24. Review status: criteria provided, single submitter. Criteria: Invitae Variant Classification Sherloc (09022015). Collection method: clinical testing. Allele origin: germline. Not counted in ClinVar's aggregate classification.
Comment: This sequence change creates a premature translational stop signal (p.Leu809Valfs*10) in the BRCA2 gene. It is expected to result in an absent or disrupted protein product. Loss-of-function variants in BRCA2 are known to be pathogenic (PMID: 20104584). This variant is not present in population databases (gnomAD no frequency). This variant has not been reported in the literature in individuals affected with BRCA2-related conditions. ClinVar contains an entry for this variant (Variation ID: 433767). For these reasons, this variant has been classified as Pathogenic.

Ambry Genetics
Classification: Pathogenic for Hereditary cancer-predisposing syndrome. Last evaluated: 2023-01-10. Review status: criteria provided, single submitter. Criteria: Ambry Variant Classification Scheme 2023. Collection method: clinical testing. Allele origin: germline. Not counted in ClinVar's aggregate classification.
Comment: The c.2398_2423dup26 pathogenic mutation, located in coding exon 10 of the BRCA2 gene, results from a duplication of GGTAACAATTATGAATCTGATGTTGA at nucleotide positions 2398 to 2423, causing a translational frameshift with a predicted alternate stop codon (p.L809Vfs*10). This variant is considered to be rare based on population cohorts in the Genome Aggregation Database (gnomAD). This alteration is expected to result in loss of function by premature protein truncation or nonsense-mediated mRNA decay. As such, this alteration is interpreted as a disease-causing mutation.

Department of Pathology and Laboratory Medicine, Sinai Health System
Classification: Likely pathogenic for Hereditary breast ovarian cancer syndrome. Review status: criteria provided, single submitter. Criteria: ACMG Guidelines, 2015. Collection method: clinical testing. Allele origin: germline. Affected: yes. Study: The Canadian Open Genetics Repository (COGR). Not counted in ClinVar's aggregate classification.

Literature cited by the submitters: PubMed 20104584 (cited by Labcorp Genetics (formerly Invitae), Labcorp).